The following is an entry in ClinVar:

ClinVar aggregate classification (germline): Benign/Likely benign. Review status: criteria provided, multiple submitters, no conflicts (2 of 4 stars). 3 submissions from 3 submitters: Benign (1); Likely benign (2). Last evaluated 2026-01-31.

Conditions:
Oligodontia-cancer predisposition syndrome. Also called: TOOTH AGENESIS-COLORECTAL CANCER SYNDROME. Identifiers: Orphanet 300576, MedGen C1837750, MONDO:0012075, OMIM 608615. Disease mechanism: loss of function.
Hereditary cancer-predisposing syndrome. Also called: Hereditary Cancer Syndrome; Hereditary neoplastic syndrome; Tumor predisposition; Neoplastic Syndromes, Hereditary. Identifiers: Orphanet 140162, MedGen C0027672, MeSH D009386, MONDO:0015356.

Allele frequency attached by ClinVar (database versions not stated): TOPMed 0.00001.

Submissions (3):

Labcorp Genetics (formerly Invitae), Labcorp
Classification: Likely benign for Oligodontia-cancer predisposition syndrome. Last evaluated: 2026-01-31. Review status: criteria provided, single submitter. Criteria: Invitae Variant Classification Sherloc (09022015). Collection method: clinical testing. Allele origin: germline.

Myriad Genetics, Inc.
Classification: Benign for Oligodontia-cancer predisposition syndrome. Last evaluated: 2024-06-27. Review status: criteria provided, single submitter. Criteria: Myriad Autosomal Dominant, Autosomal Recessive and X-Linked Classification Criteria (2023). Collection method: clinical testing. Allele origin: unknown.
Comment: This variant is considered benign. This variant is a silent/synonymous amino acid change and it is not expected to impact splicing.

Ambry Genetics
Classification: Likely benign for Hereditary cancer-predisposing syndrome. Last evaluated: 2023-04-27. Review status: criteria provided, single submitter. Criteria: Ambry Variant Classification Scheme 2023. Collection method: clinical testing. Allele origin: germline.

NM_004655.4(AXIN2):c.765G>A (p.Leu255=)

Gene: AXIN2 (axin 2; minus strand). Cytogenetic location: 17q24.1.
Variant type: single nucleotide variant.
Coding change: c.765G>A on transcript NM_004655.4 (MANE Select); coding-DNA position 765, G replaced by A.
Protein change: p.Leu255=; no amino-acid change (leucine 255 retained).
Molecular consequence: synonymous variant.
Genome position (GRCh38, 1-based): chr17:65,557,856, C>T on the plus strand (G>A on the coding strand, the complement: AXIN2 is on the minus strand). VCF-style: chr17-65557856-C-T. GRCh37 (hg19) VCF-style: chr17-63553974-C-T.
Other names: c.765G>A, p.Leu255= (NM_001363813.1); c.765G>A (NM_004655.3).
Identifiers: ClinVar variation 1082313 (VCV001082313.11), dbSNP rs2044293050, ClinGen allele CA501691301.